The following is an entry in ClinVar:

ClinVar aggregate classification (germline): Uncertain significance (1 of 4 stars; one submission).

Conditions:
Inborn genetic diseases. Identifiers: MedGen C0950123, MeSH D030342.

Submission:

Ambry Genetics
Classification: Uncertain significance for Inborn genetic diseases. Last evaluated: 2025-07-12. Review status: criteria provided, single submitter. Criteria: Ambry Variant Classification Scheme 2023. Collection method: clinical testing. Allele origin: germline.
Comment: The p.T87S variant (also known as c.260C>G), located in coding exon 3 of the AKT1 gene, results from a C to G substitution at nucleotide position 260. The threonine at codon 87 is replaced by serine, an amino acid with similar properties. This amino acid position is conserved. In addition, the in silico prediction for this alteration is inconclusive. Based on the available evidence, the clinical significance of this variant remains unclear.

NM_001382430.1(AKT1):c.260C>G (p.Thr87Ser)

Gene: AKT1 (AKT serine/threonine kinase 1; minus strand). Cytogenetic location: 14q32.33.
Variant type: single nucleotide variant.
Coding change: c.260C>G on transcript NM_001382430.1 (MANE Select); coding-DNA position 260, C replaced by G.
Protein change: p.Thr87Ser; replaces threonine 87 with serine.
Molecular consequence: missense variant.
Genome position (GRCh38, 1-based): chr14:104,776,686, G>C on the plus strand (C>G on the coding strand, the complement: AKT1 is on the minus strand). VCF-style: chr14-104776686-G-C. GRCh37 (hg19) VCF-style: chr14-105243023-G-C.
Other names: c.260C>G, p.Thr87Ser (NM_001014431.2, NM_001014432.2, NM_001382431.1 and 3 more transcripts); short protein forms T87S.
Identifiers: ClinVar variation 4267560 (VCV004267560.1).